The following is an entry in ClinVar:

ClinVar aggregate classification (germline): Uncertain significance (1 of 4 stars; one submission).

Conditions:
Charcot-Marie-Tooth disease type 4. Also called: Charcot-Marie-Tooth, Type 4; Charcot-Marie-Tooth disease, type IV. Identifiers: Orphanet 64749, MedGen C4082197, MONDO:0018995.

Submission:

Labcorp Genetics (formerly Invitae), Labcorp
Classification: Uncertain significance for Charcot-Marie-Tooth disease type 4. Last evaluated: 2019-10-24. Review status: criteria provided, single submitter. Criteria: Invitae Variant Classification Sherloc (09022015). Collection method: clinical testing. Allele origin: germline.
Comment: Experimental studies and prediction algorithms are not available or were not evaluated, and the functional significance of this variant is currently unknown. In summary, the available evidence is currently insufficient to determine the role of this variant in disease. Therefore, it has been classified as a Variant of Uncertain Significance. This variant, c.1568_1723del, results in the deletion of 52 amino acid(s) of the PRX protein (p.Leu523_Leu574del), but otherwise preserves the integrity of the reading frame. This variant is not present in population databases (ExAC no frequency). This variant has not been reported in the literature in individuals with PRX-related conditions.

NM_181882.3(PRX):c.1568_1723del (p.Leu523_Leu574del)

Gene: PRX (periaxin; minus strand). Cytogenetic location: 19q13.2.
Variant type: Deletion.
Coding change: c.1568_1723del on transcript NM_181882.3 (MANE Select); coding-DNA positions 1568 to 1723, 156 bases deleted.
Protein change: p.Leu523_Leu574del.
Molecular consequence: inframe deletion. On other transcripts: 3 prime UTR variant (1).
Genome position (GRCh38, 1-based): chr19:40,396,629-40,396,784, 156 bases deleted. GRCh37 (hg19): chr19:40,902,543-40,902,698.
Other names: c.*1773_*1928del (NM_020956.2).
Identifiers: ClinVar variation 967335 (VCV000967335.9), dbSNP rs2079440442, ClinGen allele CA1139666444.